The following is an entry in ClinVar:

Conditions:
Long QT syndrome 5 (LQT5). Identifiers: Orphanet 101016, Orphanet 768, MedGen C1867904, MONDO:0013372, OMIM 613695.

Submission:

Roden Lab, Vanderbilt University Medical Center
No classification provided (evidence only). Condition: Long QT syndrome 5. Review status: no classification provided. Collection method: in vitro. Allele origin: not applicable. Functional consequence: Effect on ion channel function.
ClinVar note: "not provided" was previously submitted as the classification for the variant. However, the classification appeared to be based only on an observation of functional data so it was converted to no classification on 2025-07-30.

NM_000219.6(KCNE1):c.36T>A (p.Phe12Leu)

Gene: KCNE1 (potassium voltage-gated channel subfamily E regulatory subunit 1; minus strand). Cytogenetic location: 21q22.12.
Variant type: single nucleotide variant.
Coding change: c.36T>A on transcript NM_000219.6 (MANE Select); coding-DNA position 36, T replaced by A.
Protein change: p.Phe12Leu; replaces phenylalanine 12 with leucine.
Molecular consequence: missense variant.
Genome position (GRCh38, 1-based): chr21:34,449,599, A>T on the plus strand (T>A on the coding strand, the complement: KCNE1 is on the minus strand). VCF-style: chr21-34449599-A-T. GRCh37 (hg19) VCF-style: chr21-35821897-A-T.
Other names: c.36T>A, p.Phe12Leu (NM_001127668.4, NM_001127669.4, NM_001127670.4 and 4 more transcripts); short protein forms F12L.
Identifiers: ClinVar variation 3373835 (VCV003373835.2).